The following is an entry in ClinVar:

ClinVar aggregate classification (germline): Pathogenic (1 of 4 stars; one submission).

Conditions:
LAMA2-related muscular dystrophy (LAMA2-RD). Also called: Laminin alpha 2-related dystrophy. Identifiers: MedGen C5679788, MONDO:0100228.

Submission:

Labcorp Genetics (formerly Invitae), Labcorp
Classification: Pathogenic for LAMA2-related muscular dystrophy. Last evaluated: 2022-10-13. Review status: criteria provided, single submitter. Criteria: Invitae Variant Classification Sherloc (09022015). Collection method: clinical testing. Allele origin: germline.
Comment: For these reasons, this variant has been classified as Pathogenic. This variant has not been reported in the literature in individuals affected with LAMA2-related conditions. This variant is a gross deletion of the genomic region encompassing exon(s) 35 of the LAMA2 gene. This deletion is out-of-frame, and is expected to create a premature termination codon and result in an absent or disrupted protein product. Loss-of-function variants in LAMA2 are known to be pathogenic (PMID: 18700894, 32904964).

Literature cited by the submitters: PubMed 18700894; PubMed 32904964.

NC_000006.11:g.(?_129704247)_(129704398_?)del

Gene: LAMA2 (laminin subunit alpha 2; plus strand). Cytogenetic location: 6q22.33.
Variant type: Deletion.
Identifiers: ClinVar variation 2423053 (VCV002423053.5).